The following is an entry in ClinVar:

ClinVar aggregate classification (germline): Uncertain significance (1 of 4 stars; one submission).

Conditions:
Werner syndrome (WRN). Identifiers: Orphanet 902, MedGen C0043119, MONDO:0010196, OMIM 277700.

Submission:

Labcorp Genetics (formerly Invitae), Labcorp
Classification: Uncertain significance for Werner syndrome. Last evaluated: 2021-10-16. Review status: criteria provided, single submitter. Criteria: Invitae Variant Classification Sherloc (09022015). Collection method: clinical testing. Allele origin: germline.
Comment: This sequence change falls in intron 3 of the WRN gene. It does not directly change the encoded amino acid sequence of the WRN protein. This variant is not present in population databases (ExAC no frequency). This variant has not been reported in the literature in individuals affected with WRN-related conditions. Algorithms developed to predict the effect of sequence changes on RNA splicing suggest that this variant may disrupt the consensus splice site. In summary, the available evidence is currently insufficient to determine the role of this variant in disease. Therefore, it has been classified as a Variant of Uncertain Significance.

NM_000553.6(WRN):c.210-8C>G

Gene: WRN (WRN RecQ like helicase; plus strand). Cytogenetic location: 8p12.
Variant type: single nucleotide variant.
Coding change: c.210-8C>G on transcript NM_000553.6 (MANE Select); 8 bases into the intron before coding-DNA position 210, C replaced by G.
Molecular consequence: intron variant.
Genome position (GRCh38, 1-based): chr8:31,064,281, C>G. VCF-style: chr8-31064281-C-G. GRCh37 (hg19) VCF-style: chr8-30921797-C-G.
Identifiers: ClinVar variation 1345049 (VCV001345049.6), dbSNP rs1812609160, ClinGen allele CA2573142701.
Genomic context (GRCh38, chr8:31,064,281, plus strand): 5'-ATGTCTTTAGTTATGCAGAAGTTTAAAATTTTAACATAAATTAATTTACACTATTTTTCT[C>G]ACTTTAGCATGAGTCTATCAGATGGGGATGTGGTGGGATTTGACATGGAGTGGCCACCAT-3'